The following is an entry in ClinVar:

ClinVar aggregate classification (germline): Likely pathogenic (1 of 4 stars; one submission).

Conditions:
Pontocerebellar hypoplasia type 2D (PCH2D). Also called: Progressive cerebello-cerebral atrophy. Identifiers: Orphanet 247198, Orphanet 2524, MedGen C3151140, MONDO:0013438, OMIM 613811.

Submission:

Natera, Inc.
Classification: Likely pathogenic for Pontocerebellar hypoplasia type 2d. Last evaluated: 2025-10-29. Review status: criteria provided, single submitter. Criteria: Natera Variant Classification Schema (03/2026). Collection method: clinical testing. Allele origin: germline.
Comment: The c.1008_1020del variant in SEPSECS is a frameshift variant predicted to shift the reading frame beginning at codon 337 and leads to a stop codon 12 codons downstream. This variant is expected to result in nonsense mediated decay, truncation, or a dysfunctional protein product. This variant is rare in the general population with a frequency below the threshold expected for the associated phenotype(s). Given the available evidence, this variant is classified as Likely Pathogenic.

NM_016955.4(SEPSECS):c.1008_1020del (p.Leu337fs)

Gene: SEPSECS (Sep (O-phosphoserine) tRNA:Sec (selenocysteine) tRNA synthase; minus strand). Cytogenetic location: 4p15.2.
Variant type: Deletion.
Coding change: c.1008_1020del on transcript NM_016955.4 (MANE Select); coding-DNA positions 1008 to 1020, 13 bases deleted (GCTACTAAAAGAA).
Protein change: p.Leu337fs; shifts the reading frame from leucine 337.
Molecular consequence: frameshift variant.
Genome position (GRCh38, 1-based): chr4:25,144,780-25,144,792, TTCTTTTAGTAGC deleted on the plus strand (GCTACTAAAAGAA on the coding strand, the reverse complement: SEPSECS is on the minus strand); deleting any 13 consecutive bases within chr4:25,144,780-25,144,797 gives the same sequence; the c. name uses the placement nearest the transcript's 3' end. VCF-style (leftmost placement, unchanged base first): chr4-25144779-TTTCTTTTAGTAGC-T. GRCh37 (hg19) VCF-style: chr4-25146401-TTTCTTTTAGTAGC-T.
Other names: c.1263_1275del, p.Leu422fs (NM_001410714.1); short protein forms L337fs, L422fs.
Identifiers: ClinVar variation 4815885 (VCV004815885.1).
Genomic context (GRCh38, chr4:25,144,779, plus strand): 5'-TTTGGAGCACAGTTCTAGTCAAGAATGTTATTCGACACCTAAAGGGAAAGCTTACCTTTC[TTTCTTTTAGTAGC>T]TTCTTATAGCCATTTGATCCAAGTGACAATAAAGTAATAAGGACATCTAAAGAAGGTGAA-3'